The following is an entry in ClinVar:

NM_014846.4(WASHC5):c.1413C>T (p.Asn471=)

Gene: WASHC5 (WASH complex subunit 5; minus strand). Cytogenetic location: 8q24.13.
Variant type: single nucleotide variant.
Coding change: c.1413C>T on transcript NM_014846.4 (MANE Select); coding-DNA position 1413, C replaced by T.
Protein change: p.Asn471=; no amino-acid change (asparagine 471 retained).
Molecular consequence: synonymous variant.
Genome position (GRCh38, 1-based): chr8:125,061,190, G>A on the plus strand (C>T on the coding strand, the complement: WASHC5 is on the minus strand). VCF-style: chr8-125061190-G-A. GRCh37 (hg19) VCF-style: chr8-126073432-G-A.
Other names: c.1413C>T (NM_014846.3); c.969C>T, p.Asn323= (NM_001330609.2).
Identifiers: ClinVar variation 2924255 (VCV002924255.5), dbSNP rs143967982, ClinGen allele CA4873823.

ClinVar aggregate classification (germline): Likely benign. Review status: criteria provided, single submitter (1 of 4 stars). 2 submissions from 2 submitters: Likely benign (1). 1 of the submissions does not count toward it. Last evaluated 2024-01-21.

Conditions:
Hereditary spastic paraplegia 8 (SPG8). Also called: SPASTIC PARAPLEGIA 8, AUTOSOMAL DOMINANT. Identifiers: Orphanet 100989, MedGen C1863704, MONDO:0011339, OMIM 603563.
Ritscher-Schinzel syndrome. Also called: CRANIOCEREBELLOCARDIAC DYSPLASIA. Identifiers: Orphanet 7, MedGen C0796137, MONDO:0019078.
WASHC5-related disorder. Also called: WASHC5-related condition.

Allele frequency attached by ClinVar (database versions not stated): ESP Exome Variant Server 0.00015; gnomAD exomes 0.00001; ExAC 0.00004; gnomAD 0.00009; TOPMed 0.00012.
gnomAD v4.1: 25 of 1,539,340 alleles (0.0016%); highest among the groups gnomAD compares: African/African-American, 0.031%; no homozygotes.

Submissions (2):

Labcorp Genetics (formerly Invitae), Labcorp
Classification: Likely benign for Ritscher-Schinzel syndrome; Hereditary spastic paraplegia 8. Last evaluated: 2024-01-21. Review status: criteria provided, single submitter. Criteria: Invitae Variant Classification Sherloc (09022015). Collection method: clinical testing. Allele origin: germline.

PreventionGenetics, part of Exact Sciences
Classification: Likely benign for WASHC5-related condition. Last evaluated: 2019-06-24. Review status: no assertion criteria provided. Collection method: clinical testing. Allele origin: germline. Not counted in ClinVar's aggregate classification.
Comment: This variant is classified as likely benign based on ACMG/AMP sequence variant interpretation guidelines (Richards et al. 2015 PMID: 25741868, with internal and published modifications).